The following is an entry in ClinVar:

ClinVar aggregate classification (germline): Uncertain significance. Review status: criteria provided, multiple submitters, no conflicts (2 of 4 stars). 3 submissions from 3 submitters: Uncertain significance (3). Last evaluated 2024-10-07.

Conditions:
Inborn genetic diseases. Identifiers: MedGen C0950123, MeSH D030342.
Leukocyte adhesion deficiency 1 (LAD1). Also called: LEUKOCYTE ADHESION DEFICIENCY, TYPE I; LAD 1; Lymphocyte function-associated antigen 1 immunodeficiency; LFA 1 immunodeficiency. Identifiers: Orphanet 2968, Orphanet 99842, MedGen C0398738, MONDO:0007293, OMIM 116920.

Allele frequency attached by ClinVar (database versions not stated): gnomAD 0.00002 and 0.00004; TOPMed 0.00003; gnomAD exomes 0.00009; ExAC 0.00014.
gnomAD v4.1: 60 of 1,612,732 alleles (0.0037%); highest among the groups gnomAD compares: South Asian, 0.032%; no homozygotes.

Submissions (3):

Ambry Genetics
Classification: Uncertain significance for Inborn genetic diseases. Last evaluated: 2024-10-07. Review status: criteria provided, single submitter. Criteria: Ambry Variant Classification Scheme 2023. Collection method: clinical testing. Allele origin: germline.

Labcorp Genetics (formerly Invitae), Labcorp
Classification: Uncertain significance for Leukocyte adhesion deficiency 1. Last evaluated: 2023-09-13. Review status: criteria provided, single submitter. Criteria: Invitae Variant Classification Sherloc (09022015). Collection method: clinical testing. Allele origin: germline.
Comment: ClinVar contains an entry for this variant (Variation ID: 340146). In summary, the available evidence is currently insufficient to determine the role of this variant in disease. Therefore, it has been classified as a Variant of Uncertain Significance. Algorithms developed to predict the effect of missense changes on protein structure and function output the following: SIFT: "Not Available"; PolyPhen-2: "Benign"; Align-GVGD: "Not Available". The glutamine amino acid residue is found in multiple mammalian species, which suggests that this missense change does not adversely affect protein function. This variant has not been reported in the literature in individuals affected with ITGB2-related conditions. This variant is present in population databases (rs750019280, gnomAD 0.04%). This sequence change replaces arginine, which is basic and polar, with glutamine, which is neutral and polar, at codon 595 of the ITGB2 protein (p.Arg595Gln).

Illumina Laboratory Services, Illumina
Classification: Uncertain significance for Leukocyte adhesion deficiency 1. Last evaluated: 2018-01-12. Review status: criteria provided, single submitter. Criteria: ICSL Variant Classification Criteria 13 December 2019. Collection method: clinical testing. Allele origin: germline.

NM_000211.5(ITGB2):c.1784G>A (p.Arg595Gln)

Gene: ITGB2 (integrin subunit beta 2; minus strand). Cytogenetic location: 21q22.3.
Variant type: single nucleotide variant.
Coding change: c.1784G>A on transcript NM_000211.5 (MANE Select); coding-DNA position 1784, G replaced by A.
Protein change: p.Arg595Gln; replaces arginine 595 with glutamine.
Molecular consequence: missense variant.
Genome position (GRCh38, 1-based): chr21:44,889,369, C>T on the plus strand (G>A on the coding strand, the complement: ITGB2 is on the minus strand). VCF-style: chr21-44889369-C-T. GRCh37 (hg19) VCF-style: chr21-46309284-C-T.
Other names: c.1784G>A (LRG_76t1); c.1784G>A, p.Arg595Gln (NM_001127491.3); c.1577G>A, p.Arg526Gln (NM_001303238.2); short protein forms R595Q, R526Q.
Identifiers: ClinVar variation 340146 (VCV000340146.13), dbSNP rs750019280, ClinGen allele CA10062707.